The following is an entry in ClinVar:

NM_000214.3(JAG1):c.*1572A>G

Gene: JAG1 (jagged canonical Notch ligand 1; minus strand). Cytogenetic location: 20p12.2.
Variant type: single nucleotide variant.
Coding change: c.*1572A>G on transcript NM_000214.3 (MANE Select); 1572 bases downstream of the stop codon, A replaced by G.
Molecular consequence: 3 prime UTR variant.
Genome position (GRCh38, 1-based): chr20:10,637,926, T>C on the plus strand (A>G on the coding strand, the complement: JAG1 is on the minus strand). VCF-style: chr20-10637926-T-C. GRCh37 (hg19) VCF-style: chr20-10618574-T-C.
Other names: c.*1572A>G (LRG_1191t1).
Identifiers: ClinVar variation 337715 (VCV000337715.7), dbSNP rs8708, ClinGen allele CA10649345.

ClinVar aggregate classification (germline): Benign. Review status: criteria provided, multiple submitters, no conflicts (2 of 4 stars). 3 submissions from 3 submitters: Benign (3). Last evaluated 2020-04-28.

Conditions:
Isolated Nonsyndromic Congenital Heart Disease.

Allele frequency attached by ClinVar (database versions not stated): 1000 Genomes Project 0.47424; 1000 Genomes Project 30x 0.48314; TOPMed 0.54467; gnomAD 0.54989 and 0.55702; gnomAD exomes 0.55769.

Submissions (3):

GeneDx
Classification: Benign. Last evaluated: 2020-04-28. Review status: criteria provided, single submitter. Criteria: GeneDx Variant Classification Process June 2021. Collection method: clinical testing. Allele origin: germline. Affected: yes.
Comment: This variant is associated with the following publications: (PMID: 22336710)

Illumina Laboratory Services, Illumina
Classification: Benign for Isolated Nonsyndromic Congenital Heart Disease. Last evaluated: 2018-01-12. Review status: criteria provided, single submitter. Criteria: ICSL Variant Classification Criteria 13 December 2019. Collection method: clinical testing. Allele origin: germline.
Comment: This variant was observed in the ICSL laboratory as part of a predisposition screen in an ostensibly healthy population. It had not been previously curated by ICSL or reported in the Human Gene Mutation Database (HGMD: prior to June 1st, 2018), and was therefore a candidate for classification through an automated scoring system. Utilizing variant allele frequency, disease prevalence and penetrance estimates, and inheritance mode, an automated score was calculated to assess if this variant is too frequent to cause the disease. Based on the score and internal cut-off values, a variant classified as benign is not then subjected to further curation. The score for this variant resulted in a classification of benign for this disease.

Breakthrough Genomics
Classification: Benign. Review status: criteria provided, single submitter. Criteria: ACMG Guidelines, 2015. Collection method: not provided. Allele origin: germline. Inheritance: Autosomal dominant inheritance. Affected: yes.